The following is an entry in ClinVar:

ClinVar aggregate classification (germline): Uncertain significance (1 of 4 stars; one submission).

Submission:

GeneDx
Classification: Uncertain significance. Last evaluated: 2022-10-19. Review status: criteria provided, single submitter. Criteria: GeneDx Variant Classification Process June 2021. Collection method: clinical testing. Allele origin: germline. Affected: yes.
Comment: Not observed at significant frequency in large population cohorts (gnomAD); In silico analysis supports that this missense variant has a deleterious effect on protein structure/function; Has not been previously published as pathogenic or benign to our knowledge; In silico analysis suggests this variant may impact gene splicing. In the absence of RNA/functional studies, the actual effect of this sequence change is unknown.

NM_001370466.1(NOD2):c.2633G>A (p.Gly878Glu)

Gene: NOD2 (nucleotide binding oligomerization domain containing 2; plus strand). Cytogenetic location: 16q12.1.
Variant type: single nucleotide variant.
Coding change: c.2633G>A on transcript NM_001370466.1 (MANE Select); coding-DNA position 2633, G replaced by A.
Protein change: p.Gly878Glu; replaces glycine 878 with glutamic acid.
Molecular consequence: missense variant. On other transcripts: non-coding transcript variant (1).
Genome position (GRCh38, 1-based): chr16:50,720,008, G>A. VCF-style: chr16-50720008-G-A. GRCh37 (hg19) VCF-style: chr16-50753919-G-A.
Other names: c.2633G>A, p.Gly878Glu (NM_001293557.2); c.2714G>A, p.Gly905Glu (NM_022162.3); short protein forms G878E, G905E.
Identifiers: ClinVar variation 2499728 (VCV002499728.1), dbSNP rs2506490441, ClinGen allele CA395874542.